The following is an entry in ClinVar:

ClinVar aggregate classification (germline): Likely benign (1 of 4 stars; one submission).

Allele frequency attached by ClinVar (database versions not stated): TOPMed 0.00268; gnomAD 0.00351 and 0.00394; 1000 Genomes Project 30x 0.00406; 1000 Genomes Project 0.00419.
gnomAD v4.1: 4,699 of 919,098 alleles (0.51%); highest among the groups gnomAD compares: South Asian, 1.6%; 35 homozygotes.

Submission:

GeneDx
Classification: Likely benign. Last evaluated: 2018-06-14. Review status: criteria provided, single submitter. Criteria: GeneDx Variant Classification (06012015). Collection method: clinical testing. Allele origin: germline. Affected: yes.
Comment: This variant is considered likely benign or benign based on one or more of the following criteria: it is a conservative change, it occurs at a poorly conserved position in the protein, it is predicted to be benign by multiple in silico algorithms, and/or has population frequency not consistent with disease.

NM_001105206.3(LAMA4):c.2494-115A>G

Gene: LAMA4 (laminin subunit alpha 4; minus strand). Cytogenetic location: 6q21.
Variant type: single nucleotide variant.
Coding change: c.2494-115A>G on transcript NM_001105206.3 (MANE Select); 115 bases into the intron before coding-DNA position 2494, A replaced by G.
Molecular consequence: intron variant.
Genome position (GRCh38, 1-based): chr6:112,142,407, T>C on the plus strand (A>G on the coding strand, the complement: LAMA4 is on the minus strand). VCF-style: chr6-112142407-T-C. GRCh37 (hg19) VCF-style: chr6-112463609-T-C.
Other names: c.2473-115A>G (NM_002290.5, NM_001105207.3).
Identifiers: ClinVar variation 674685 (VCV000674685.1), dbSNP rs149446083, ClinGen allele CA144895387.
Genomic context (GRCh38, chr6:112,142,407, plus strand): 5'-TTTCCCGTGCTTCCCTCATTCGTGACAGGGGCCTATAAACTCTCTTCACCTCCATACCTG[T>C]AGTTATTTACCACATCCTCCCCTAGTTGAAGAGAAGACTTAGGGCAGATTGTGACACAGT-3'